The following is an entry in ClinVar:

NM_147196.3(TMIE):c.241C>T (p.Arg81Cys)

Gene: TMIE (transmembrane inner ear; plus strand). Cytogenetic location: 3p21.31.
Variant type: single nucleotide variant.
Coding change: c.241C>T on transcript NM_147196.3 (MANE Select); coding-DNA position 241, C replaced by T.
Protein change: p.Arg81Cys; replaces arginine 81 with cysteine.
Molecular consequence: missense variant.
Genome position (GRCh38, 1-based): chr3:46,709,155, C>T. VCF-style: chr3-46709155-C-T. GRCh37 (hg19) VCF-style: chr3-46750645-C-T.
Other names: c.82C>T, p.Arg28Cys (NM_001370524.1, NM_001370525.1); short protein forms R81C, R28C.
Identifiers: ClinVar variation 3390 (VCV000003390.5), dbSNP rs28942096, ClinGen allele CA252745.
Genomic context (GRCh38, chr3:46,709,155, plus strand): 5'-CCCAGCCAAGCCTGCTCTGTCCTCCCTACAGTCATCACGCTGTGCTGTGTCTTCAACTGT[C>T]GTGTGCCACGGACCCGGAAGGAGATCGAAGCCCGGTACCTGCAGCGAAAGGCAGCCAAGA-3'
Protein context (NP_671729.2, residues 71-91): IITLCCVFNC[Arg81Cys]VPRTRKEIEA

ClinVar aggregate classification (germline): Conflicting classifications of pathogenicity. Review status: criteria provided, conflicting classifications (1 of 4 stars). 4 submissions from 4 submitters: Likely pathogenic (1); Uncertain significance (1). 2 of the submissions do not count toward it. Last evaluated 2024-12-20.

Conditions:
Sensorineural hearing loss disorder. Also called: Sensorineural hearing impairment; Sensorineural Deafness; Sensorineural hearing loss. Identifiers: MedGen C0018784, MeSH D006319, MONDO:0020678, HP:0000407.
Hearing loss, autosomal recessive. Also called: Autosomal recessive nonsyndromic deafness; Rare autosomal recessive non-syndromic sensorineural deafness type DFNB; Deafness, autosomal recessive; Nonsyndromic Hearing Loss, Recessive. Identifiers: Orphanet 90635, Orphanet 90636, MedGen C1846647, MONDO:0019588, OMIM 607197.
Autosomal recessive nonsyndromic hearing loss 6. Also called: NEUROSENSORY NONSYNDROMIC RECESSIVE DEAFNESS 6. Identifiers: Orphanet 90636, MedGen C1832992, MONDO:0010965, OMIM 600971.

Allele frequency attached by ClinVar (database versions not stated): TOPMed below 0.00001; gnomAD 0.00001; gnomAD exomes 0.00001.
gnomAD v4.1: 9 of 1,613,998 alleles (0.00056%); highest among the groups gnomAD compares: South Asian, 0.0055%; no homozygotes.

Submissions (4):

Laboratory of Dr. Barbara Vona, University Medical Center Göttingen
Classification: Likely pathogenic for Sensorineural hearing loss disorder. Last evaluated: 2024-12-20. Review status: criteria provided, single submitter. Criteria: ClinGen HL ACMG Specifications v1. Collection method: clinical testing. Allele origin: germline. Affected: yes.

GeneDx
Classification: Uncertain significance. Last evaluated: 2019-08-26. Review status: criteria provided, single submitter. Criteria: GeneDx Variant Classification Process June 2021. Collection method: clinical testing. Allele origin: germline. Affected: yes.
Comment: Not observed in large population cohorts (Lek et al., 2016); In silico analysis, which includes protein predictors and evolutionary conservation, supports a deleterious effect; This variant is associated with the following publications: (PMID: 12145746, 16389551, 24949729, 30303587, 26186295)

OMIM
Classification: Pathogenic for DEAFNESS, AUTOSOMAL RECESSIVE 6. Last evaluated: 2002-09-01. Review status: no assertion criteria provided. Collection method: literature only. Allele origin: germline. Not counted in ClinVar's aggregate classification.

University of Washington Center for Mendelian Genomics, University of Washington
Classification: Likely pathogenic for non-syndromic autosomal recessive hearing loss. Review status: no assertion criteria provided. Collection method: research. Allele origin: inherited. Affected: yes. Not counted in ClinVar's aggregate classification.

Literature cited by the submitters: PubMed 40377830 (cited by Laboratory of Dr. Barbara Vona, University Medical Center Göttingen); PubMed 12145746 (cited by OMIM); PubMed 30303587 (cited by University of Washington Center for Mendelian Genomics, University of Washington).